The following is an entry in ClinVar:

NM_000071.3(CBS):c.1436T>C (p.Val479Ala)

Gene: CBS (cystathionine beta-synthase; minus strand). Cytogenetic location: 21q22.3.
Variant type: single nucleotide variant.
Coding change: c.1436T>C on transcript NM_000071.3 (MANE Select); coding-DNA position 1436, T replaced by C.
Protein change: p.Val479Ala; replaces valine 479 with alanine.
Molecular consequence: missense variant.
Genome position (GRCh38, 1-based): chr21:43,058,176, A>G on the plus strand (T>C on the coding strand, the complement: CBS is on the minus strand). VCF-style: chr21-43058176-A-G. GRCh37 (hg19) VCF-style: chr21-44478286-A-G.
Other names: c.1436T>C, p.Val479Ala (NM_001178008.3, NM_001178009.3, NM_001320298.2); c.1121T>C, p.Val374Ala (NM_001321072.1); short protein forms V479A, V374A.
Identifiers: ClinVar variation 263813 (VCV000263813.5), dbSNP rs886038933, ClinGen allele CA10587935.
Genomic context (GRCh38, chr21:43,058,176, plus strand): 5'-GTTTGAGCTGCCTGTAGGTGACTGGGTACCTGTTTGAACTGCTTGTAGATGACTTTGCCA[A>G]CTTGGTCTGACGGCTGCACCTTCCCGGCAAGCAGGGACGAGAGCATGTTCCCAAGCGTCA-3'
Protein context (NP_000062.1, residues 469-489): LAGKVQPSDQ[Val479Ala]GKVIYKQFKQ

ClinVar aggregate classification (germline): Uncertain significance. Review status: criteria provided, single submitter (1 of 4 stars). 2 submissions from 2 submitters: Uncertain significance (1). 1 of the submissions does not count toward it. Last evaluated 2025-09-15.

Conditions:
Familial thoracic aortic aneurysm and aortic dissection (TAAD). Also called: Thoracic aortic aneurysms and dissections. Identifiers: Orphanet 91387, MedGen C4707243, MONDO:0019625.
Classic homocystinuria. Also called: Homocystinuria due to Cystathionine Beta-Synthase Deficiency; Homocystinuria due to CBS deficiency; Cystathionine beta-synthase deficiency; CBS deficiency; HOMOCYSTINURIA WITH OR WITHOUT RESPONSE TO PYRIDOXINE. Identifiers: Orphanet 394, MedGen C0751202, MONDO:0009352, OMIM 236200.

Allele frequency attached by ClinVar (database versions not stated): gnomAD exomes below 0.00001.

Submissions (2):

Ambry Genetics
Classification: Uncertain significance for Familial thoracic aortic aneurysm and aortic dissection. Last evaluated: 2025-09-15. Review status: criteria provided, single submitter. Criteria: Ambry Variant Classification Scheme 2023. Collection method: clinical testing. Allele origin: germline.
Comment: The p.V479A variant (also known as c.1436T>C), located in coding exon 13 of the CBS gene, results from a T to C substitution at nucleotide position 1436. The valine at codon 479 is replaced by alanine, an amino acid with similar properties. This amino acid position is highly conserved in available vertebrate species. In addition, this alteration is predicted to be deleterious by in silico analysis. Based on the available evidence, the clinical significance of this variant remains unclear.

Natera, Inc.
Classification: Uncertain significance for Homocystinuria due to cystathionine beta-synthase deficiency. Last evaluated: 2020-01-08. Review status: no assertion criteria provided. Collection method: clinical testing. Allele origin: germline. Not counted in ClinVar's aggregate classification.